The following is an entry in ClinVar:

ClinVar aggregate classification (germline): Uncertain significance (1 of 4 stars; one submission).

gnomAD v4.1: 6 of 1,614,182 alleles (0.00037%); highest among the groups gnomAD compares: East Asian, 0.0045%; no homozygotes.

Submission:

Women's Health and Genetics/Laboratory Corporation of America, LabCorp
Classification: Uncertain significance. Last evaluated: 2026-05-05. Review status: criteria provided, single submitter. Criteria: LabCorp Variant Classification Summary - May 2015. Collection method: clinical testing. Allele origin: germline.
Comment: Variant summary: TRAPPC11 c.302A>G (p.Tyr101Cys) results in a non-conservative amino acid change in the encoded protein sequence. Algorithms developed to predict the effect of missense changes on protein structure and function are either unavailable or do not agree on the potential impact of this missense change. The variant allele was found at a frequency of 1.2e-05 in 251402 control chromosomes (gnomAD). c.302A>G has been observed in a homozygous individual affected with features of Limb-Girdle Muscular Dystrophy, Autosomal Recessive (Park_2022). These data indicate that the variant may be associated with disease. To our knowledge, no experimental evidence demonstrating an impact on protein function has been reported. The following publication has been ascertained in the context of this evaluation (PMID: 36212160). No submitters have cited clinical-significance assessments for this variant to ClinVar. Based on the evidence outlined above, the variant was classified as VUS-possibly pathogenic.

Literature cited by the submitters: PubMed 36212160.

NM_021942.6(TRAPPC11):c.302A>G (p.Tyr101Cys)

Gene: TRAPPC11 (trafficking protein particle complex subunit 11; plus strand). Cytogenetic location: 4q35.1.
Variant type: single nucleotide variant.
Coding change: c.302A>G on transcript NM_021942.6 (MANE Select); coding-DNA position 302, A replaced by G.
Protein change: p.Tyr101Cys; replaces tyrosine 101 with cysteine.
Molecular consequence: missense variant.
Genome position (GRCh38, 1-based): chr4:183,666,354, A>G. VCF-style: chr4-183666354-A-G. GRCh37 (hg19) VCF-style: chr4-184587507-A-G.
Other names: c.302A>G, p.Tyr101Cys (NM_199053.3); short protein forms Y101C.
Identifiers: ClinVar variation 4853538 (VCV004853538.1).